The following is an entry in ClinVar:

NC_000007.13:g.(?_75583311)_(75583518_?)del

Gene: POR (cytochrome p450 oxidoreductase; plus strand). Cytogenetic location: 7q11.23.
Variant type: Deletion.
Identifiers: ClinVar variation 3245778 (VCV003245778.1).

ClinVar aggregate classification (germline): Pathogenic (1 of 4 stars; one submission).

Conditions:
Congenital adrenal hyperplasia due to cytochrome P450 oxidoreductase deficiency. Also called: DISORDERED STEROIDOGENESIS DUE TO POR DEFICIENCY. Identifiers: Orphanet 95699, MedGen C1860042, MONDO:0013310, OMIM 613571.

Submission:

Labcorp Genetics (formerly Invitae), Labcorp
Classification: Pathogenic for Congenital adrenal hyperplasia due to cytochrome P450 oxidoreductase deficiency. Last evaluated: 2023-11-21. Review status: criteria provided, single submitter. Criteria: Invitae Variant Classification Sherloc (09022015). Collection method: clinical testing. Allele origin: unknown.
Comment: This variant is a gross deletion of the genomic region encompassing exon(s) 2 of the POR gene, which includes the initiator codon. This deletion extends beyond the assayed region for this gene and therefore may encompass additional genes. It is expected to result in an absent or disrupted protein product. Loss-of-function variants in POR are known to be pathogenic (PMID: 14758361, 20732302, 21741353). This variant has not been reported in the literature in individuals affected with POR-related conditions. For these reasons, this variant has been classified as Pathogenic.

Literature cited by the submitters: PubMed 14758361; PubMed 20732302; PubMed 21741353.